The following is an entry in ClinVar:

NM_000535.7(PMS2):c.1793A>T (p.Gln598Leu)

Gene: PMS2 (PMS1 homolog 2, mismatch repair system component; minus strand). Cytogenetic location: 7p22.1.
Variant type: single nucleotide variant.
Coding change: c.1793A>T on transcript NM_000535.7 (MANE Select); coding-DNA position 1793, A replaced by T.
Protein change: p.Gln598Leu; replaces glutamine 598 with leucine.
Molecular consequence: missense variant. On other transcripts: non-coding transcript variant (1), intron variant (1).
Genome position (GRCh38, 1-based): chr7:5,986,972, T>A on the plus strand (A>T on the coding strand, the complement: PMS2 is on the minus strand). VCF-style: chr7-5986972-T-A. GRCh37 (hg19) VCF-style: chr7-6026603-T-A.
Other names: c.1388A>T, p.Gln463Leu (NM_001406896.1, NM_001406897.1, NM_001406898.1 and 16 more transcripts); c.1328A>T, p.Gln443Leu (NM_001406900.1); c.1319A>T, p.Gln440Leu (NM_001406901.1, NM_001406902.1); c.1475A>T, p.Gln492Leu (NM_001406903.1, NM_001322007.2, NM_001322008.2 and 2 more transcripts); c.1280A>T, p.Gln427Leu (NM_001406904.1, NM_001406905.1); c.1232A>T, p.Gln411Leu (NM_001406906.1, NM_001406907.1, NM_001322010.2); c.1220A>T, p.Gln407Leu (NM_001406909.1, NM_001322013.2); c.1022A>T, p.Gln341Leu (NM_001406911.1); and 13 more; short protein forms Q287L, Q463L, Q542L, Q606L, Q411L, Q440L, Q443L, Q490L.
Identifiers: ClinVar variation 4667747 (VCV004667747.1).

ClinVar aggregate classification (germline): Uncertain significance (1 of 4 stars; one submission).

Conditions:
Hereditary cancer-predisposing syndrome. Also called: Neoplastic Syndromes, Hereditary; Tumor predisposition; Hereditary Cancer Syndrome; Hereditary neoplastic syndrome. Identifiers: Orphanet 140162, MedGen C0027672, MeSH D009386, MONDO:0015356.

Submission:

Ambry Genetics
Classification: Uncertain significance for Hereditary cancer-predisposing syndrome. Last evaluated: 2025-12-03. Review status: criteria provided, single submitter. Criteria: Ambry Variant Classification Scheme 2023. Collection method: clinical testing. Allele origin: germline.
Comment: The p.Q598L variant (also known as c.1793A>T), located in coding exon 11 of the PMS2 gene, results from an A to T substitution at nucleotide position 1793. The glutamine at codon 598 is replaced by leucine, an amino acid with dissimilar properties. This amino acid position is conserved. In addition, this alteration is predicted to be tolerated by in silico analysis. Based on the available evidence, the clinical significance of this variant remains unclear.